The following is an entry in ClinVar:

NM_000112.4(SLC26A2):c.1483dup (p.Leu495fs)

Gene: SLC26A2 (solute carrier family 26 member 2; plus strand). Cytogenetic location: 5q32.
Variant type: Duplication.
Coding change: c.1483dup on transcript NM_000112.4 (MANE Select); coding-DNA position 1483, one base duplicated (C; older notation c.1483dupC).
Protein change: p.Leu495fs; shifts the reading frame from leucine 495.
Molecular consequence: frameshift variant.
Genome position (GRCh38, 1-based): chr5:149,981,076, C duplicated; the last of 3 consecutive C bases (chr5:149,981,074-149,981,076); duplicating any one gives the same sequence. VCF-style (leftmost placement, unchanged base first): chr5-149981073-G-GC. GRCh37 (hg19) VCF-style: chr5-149360636-G-GC.
Other names: short protein forms L495fs.
Identifiers: ClinVar variation 2949970 (VCV002949970.3), dbSNP rs2480776108, ClinGen allele CA2740094147.

ClinVar aggregate classification (germline): Pathogenic (1 of 4 stars; one submission).

Conditions:
Atelosteogenesis type II (AO2). Also called: SLC26A2-Related Atelosteogenesis; NEONATAL OSSEOUS DYSPLASIA I; Neonatal osseous dysplasia 1. Identifiers: Orphanet 56304, MedGen C1850554, MONDO:0009727, OMIM 256050.
Diastrophic dysplasia (DTD). Also called: Diastrophic dwarfism. Identifiers: Orphanet 628, MedGen C0220726, MONDO:0009107, OMIM 222600.
Multiple epiphyseal dysplasia type 4 (EDM4). Also called: Multiple Epiphyseal Dysplasia, Recessive; MULTIPLE EPIPHYSEAL DYSPLASIA WITH BILAYERED PATELLAE; MULTIPLE EPIPHYSEAL DYSPLASIA WITH CLUBFOOT; MULTIPLE EPIPHYSEAL DYSPLASIA, AUTOSOMAL RECESSIVE; SLC26A2-Related Multiple Epiphyseal Dysplasia. Identifiers: Orphanet 93307, MedGen C1847593, MONDO:0009189, OMIM 226900.
Achondrogenesis, type IB (ACG1B). Also called: Achondrogenesis Type 1B. Identifiers: Orphanet 932, Orphanet 93298, MedGen C0265274, MONDO:0010966, OMIM 600972.

Submission:

Labcorp Genetics (formerly Invitae), Labcorp
Classification: Pathogenic for Atelosteogenesis type II; Multiple epiphyseal dysplasia type 4; Achondrogenesis, type IB; Diastrophic dysplasia. Last evaluated: 2024-05-07. Review status: criteria provided, single submitter. Criteria: Invitae Variant Classification Sherloc (09022015). Collection method: clinical testing. Allele origin: germline.
Comment: This sequence change creates a premature translational stop signal (p.Leu495Profs*3) in the SLC26A2 gene. While this is not anticipated to result in nonsense mediated decay, it is expected to disrupt the last 245 amino acid(s) of the SLC26A2 protein. This variant is not present in population databases (gnomAD no frequency). This variant has not been reported in the literature in individuals affected with SLC26A2-related conditions. This variant disrupts a region of the SLC26A2 protein in which other variant(s) (p.Ala715Val) have been determined to be pathogenic (PMID: 8571951, 11448940, 15294877, 21077204, 21922596). This suggests that this is a clinically significant region of the protein, and that variants that disrupt it are likely to be disease-causing. For these reasons, this variant has been classified as Pathogenic.

Literature cited by the submitters: PubMed 8571951; PubMed 11448940; PubMed 15294877; PubMed 21077204; PubMed 21922596.